The following is an entry in ClinVar:

ClinVar aggregate classification (germline): Uncertain significance (1 of 4 stars; one submission).

Submission:

Ambry Genetics
Classification: Uncertain significance. Last evaluated: 2025-04-06. Review status: criteria provided, single submitter. Criteria: Ambry Variant Classification Scheme 2023. Collection method: clinical testing. Allele origin: germline.
Comment: The p.V291M variant (also known as c.871G>A), located in coding exon 1 of the TET2 gene, results from a G to A substitution at nucleotide position 871. The valine at codon 291 is replaced by methionine, an amino acid with highly similar properties. This amino acid position is conserved. In addition, this alteration is predicted to be tolerated by in silico analysis. Based on the available evidence, the clinical significance of this variant remains unclear.

NM_001127208.3(TET2):c.871G>A (p.Val291Met)

Genes: TET2 (tet methylcytosine dioxygenase 2; plus strand), TET2-AS1 (TET2 antisense RNA 1; minus strand). Cytogenetic location: 4q24.
Variant type: single nucleotide variant.
Coding change: c.871G>A on transcript NM_001127208.3 (MANE Select); coding-DNA position 871, G replaced by A.
Protein change: p.Val291Met; replaces valine 291 with methionine.
Molecular consequence: missense variant.
Genome position (GRCh38, 1-based): chr4:105,234,813, G>A. VCF-style: chr4-105234813-G-A. GRCh37 (hg19) VCF-style: chr4-106155970-G-A.
Other names: c.871G>A, p.Val291Met (NM_017628.4); short protein forms V291M.
Identifiers: ClinVar variation 3967542 (VCV003967542.1).